The following is an entry in ClinVar:

NM_001371596.2(MFSD8):c.1311C>G (p.Ser437=)

Gene: MFSD8 (major facilitator superfamily domain containing 8; minus strand). Cytogenetic location: 4q28.2.
Variant type: single nucleotide variant.
Coding change: c.1311C>G on transcript NM_001371596.2 (MANE Select); coding-DNA position 1311, C replaced by G.
Protein change: p.Ser437=; no amino-acid change (serine 437 retained).
Molecular consequence: synonymous variant. On other transcripts: 3 prime UTR variant (1).
Genome position (GRCh38, 1-based): chr4:127,921,563, G>C on the plus strand (C>G on the coding strand, the complement: MFSD8 is on the minus strand). VCF-style: chr4-127921563-G-C. GRCh37 (hg19) VCF-style: chr4-128842718-G-C.
Other names: p.S437S:TCC>TCG; c.1311C>G (NM_152778.3); c.1110C>G, p.Ser370= (NM_001363520.3); c.996C>G, p.Ser332= (NM_001363521.3); c.1176C>G, p.Ser392= (NM_001371590.2); c.1311C>G, p.Ser437= (NM_001371591.2, NM_152778.4); c.1317C>G, p.Ser439= (NM_001371592.2); c.1197C>G, p.Ser399= (NM_001371593.2); and 4 more.
Identifiers: ClinVar variation 138225 (VCV000138225.39), dbSNP rs145453022, ClinGen allele CA292092.

ClinVar aggregate classification (germline): Benign/Likely benign. Review status: criteria provided, multiple submitters, no conflicts (2 of 4 stars). 11 submissions from 11 submitters: Benign (4); Likely benign (4). 3 of the submissions do not count toward it. Last evaluated 2026-01-28.

Conditions:
Inborn genetic diseases. Identifiers: MedGen C0950123, MeSH D030342.
Macular dystrophy with central cone involvement (CCMD). Identifiers: MedGen C4015371, MONDO:0014515, OMIM 616170.
Neuronal ceroid lipofuscinosis 7 (CLN7). Also called: MFSD8-Related Neuronal Ceroid-Lipofuscinosis. Identifiers: Orphanet 168491, Orphanet 228366, MedGen C1838571, MONDO:0012588, OMIM 610951.
Late-infantile neuronal ceroid lipofuscinosis. Also called: Jansky-Bielschowsky disease. Identifiers: MedGen C0022340, MONDO:0015674.

Allele frequency attached by ClinVar (database versions not stated): ESP Exome Variant Server 0.00031; gnomAD 0.00034 and 0.00072; TOPMed 0.00039; gnomAD exomes 0.00110 and 0.00197; ExAC 0.00211; 1000 Genomes Project 0.00240; 1000 Genomes Project 30x 0.00297.
gnomAD v4.1: 1,741 of 1,614,168 alleles (0.11%); highest among the groups gnomAD compares: South Asian, 1.3%; 25 homozygotes.

Submissions (11):

Labcorp Genetics (formerly Invitae), Labcorp
Classification: Benign for Neuronal ceroid lipofuscinosis 7. Last evaluated: 2026-01-28. Review status: criteria provided, single submitter. Criteria: Invitae Variant Classification Sherloc (09022015). Collection method: clinical testing. Allele origin: germline.

CeGaT Center for Human Genetics Tuebingen
Classification: Benign. Last evaluated: 2024-12-01. Review status: criteria provided, single submitter. Criteria: CeGaT Center For Human Genetics Tuebingen Variant Classification Criteria Version 2. Collection method: clinical testing. Allele origin: germline. Affected: yes. Observed: 1 variant allele.
Comment: MFSD8: BP4, BP7, BS1, BS2

ARUP Laboratories, Molecular Genetics and Genomics, ARUP Laboratories
Classification: Benign. Last evaluated: 2024-02-15. Review status: criteria provided, single submitter. Criteria: ARUP Molecular Germline Variant Investigation Process 2024. Collection method: clinical testing. Allele origin: germline.

Fulgent Genetics
Classification: Likely benign for Neuronal ceroid lipofuscinosis 7; Macular dystrophy with central cone involvement. Last evaluated: 2021-10-29. Review status: criteria provided, single submitter. Criteria: ACMG Guidelines, 2015. Collection method: clinical testing. Allele origin: unknown.

Illumina Laboratory Services, Illumina
Classification: Likely benign for Neuronal ceroid lipofuscinosis 7. Last evaluated: 2018-01-13. Review status: criteria provided, single submitter. Criteria: ICSL Variant Classification Criteria 13 December 2019. Collection method: clinical testing. Allele origin: germline.
Comment: This variant was observed in the ICSL laboratory as part of a predisposition screen in an ostensibly healthy population. It had not been previously curated by ICSL or reported in the Human Gene Mutation Database (HGMD: prior to June 1st, 2018), and was therefore a candidate for classification through an automated scoring system. Utilizing variant allele frequency, disease prevalence and penetrance estimates, and inheritance mode, an automated score was calculated to assess if this variant is too frequent to cause the disease. Based on the score and internal cut-off values, a variant classified as likely benign is not then subjected to further curation. The score for this variant resulted in a classification of likely benign for this disease.

Ambry Genetics
Classification: Likely benign for Inborn genetic diseases. Last evaluated: 2016-08-12. Review status: criteria provided, single submitter. Criteria: Ambry Variant Classification Scheme 2023. Collection method: clinical testing. Allele origin: germline.

GeneDx
Classification: Benign. Last evaluated: 2013-01-29. Review status: criteria provided, single submitter. Criteria: GeneDx Variant Classification (06012015). Collection method: clinical testing. Allele origin: germline. Affected: yes.
Comment: This variant is considered likely benign or benign based on one or more of the following criteria: it is a conservative change, it occurs at a poorly conserved position in the protein, it is predicted to be benign by multiple in silico algorithms, and/or has population frequency not consistent with disease.

Breakthrough Genomics
Classification: Likely benign. Review status: criteria provided, single submitter. Criteria: ACMG Guidelines, 2015. Collection method: not provided. Allele origin: germline. Inheritance: Autosomal recessive inheritance. Affected: yes.

Natera, Inc.
Classification: Benign for Late-infantile neuronal ceroid lipofuscinosis. Last evaluated: 2019-10-22. Review status: no assertion criteria provided. Collection method: clinical testing. Allele origin: germline. Not counted in ClinVar's aggregate classification.

Clinical Genetics, Academic Medical Center
Classification: Benign. Review status: no assertion criteria provided. Collection method: clinical testing. Allele origin: germline. Affected: yes. Study: VKGL Data-share Consensus. Not counted in ClinVar's aggregate classification.

Genome Diagnostics Laboratory, University Medical Center Utrecht
Classification: Benign. Review status: no assertion criteria provided. Collection method: clinical testing. Allele origin: germline. Affected: yes. Study: VKGL Data-share Consensus. Not counted in ClinVar's aggregate classification.